The following is an entry in ClinVar:

NM_031418.4(ANO3):c.709A>G (p.Thr237Ala)

Gene: ANO3 (anoctamin 3; plus strand). Cytogenetic location: 11p14.2.
Variant type: single nucleotide variant.
Coding change: c.709A>G on transcript NM_031418.4 (MANE Select); coding-DNA position 709, A replaced by G.
Protein change: p.Thr237Ala; replaces threonine 237 with alanine.
Molecular consequence: missense variant.
Genome position (GRCh38, 1-based): chr11:26,525,651, A>G. VCF-style: chr11-26525651-A-G. GRCh37 (hg19) VCF-style: chr11-26547198-A-G.
Other names: c.892A>G, p.Thr298Ala (NM_001313726.2); c.271A>G, p.Thr91Ala (NM_001313727.2); short protein forms T237A, T298A, T91A.
Identifiers: ClinVar variation 1306674 (VCV001306674.2), dbSNP rs2134167847, ClinGen allele CA379929304.

ClinVar aggregate classification (germline): Uncertain significance (1 of 4 stars; one submission).

Submission:

GeneDx
Classification: Uncertain significance. Last evaluated: 2019-06-29. Review status: criteria provided, single submitter. Criteria: GeneDx Variant Classification Process June 2021. Collection method: clinical testing. Allele origin: germline. Affected: yes.
Comment: Not observed in large population cohorts (Lek et al., 2016); In silico analysis, which includes protein predictors and evolutionary conservation, supports that this variant does not alter protein structure/function; Has not been previously published as pathogenic or benign to our knowledge